The following is an entry in ClinVar:

NM_031407.7(HUWE1):c.3636C>T (p.Pro1212=)

Genes: HUWE1 (HECT, UBA and WWE domain containing E3 ubiquitin protein ligase 1; minus strand), LOC126863263 (BRD4-independent group 4 enhancer GRCh37_chrX:53619238-53620437; plus strand). Cytogenetic location: Xp11.22.
Variant type: single nucleotide variant.
Coding change: c.3636C>T on transcript NM_031407.7 (MANE Select); coding-DNA position 3636, C replaced by T.
Protein change: p.Pro1212=; no amino-acid change (proline 1212 retained).
Molecular consequence: synonymous variant.
Genome position (GRCh38, 1-based): chrX:53,593,469, G>A on the plus strand (C>T on the coding strand, the complement: HUWE1 is on the minus strand). VCF-style: chrX-53593469-G-A. GRCh37 (hg19) VCF-style: chrX-53620429-G-A.
Other names: c.3636C>T (NM_031407.6).
Identifiers: ClinVar variation 1733454 (VCV001733454.8), dbSNP rs782234284, ClinGen allele CA10422547.

ClinVar aggregate classification (germline): Likely benign. Review status: criteria provided, multiple submitters, no conflicts (2 of 4 stars). 3 submissions from 3 submitters: Likely benign (3). Last evaluated 2026-09-04.

Conditions:
Inborn genetic diseases. Identifiers: MedGen C0950123, MeSH D030342.
HUWE1-related disorder. Also called: HUWE1-related condition.

Allele frequency attached by ClinVar (database versions not stated): ExAC 0.00001; gnomAD exomes 0.00002; gnomAD 0.00005; TOPMed 0.00007.
gnomAD v4.1: 27 of 1,209,002 alleles (0.0022%); highest among the groups gnomAD compares: Admixed American, 0.0065%; no homozygotes.

Submissions (3):

PreventionGenetics, part of Exact Sciences
Classification: Likely benign for HUWE1-related condition. Last evaluated: 2026-09-04. Review status: criteria provided, single submitter. Criteria: ACMG Guidelines, 2015. Collection method: clinical testing. Allele origin: germline.
Comment: This variant is classified as likely benign based on ACMG/AMP sequence variant interpretation guidelines (Richards et al. 2015 PMID: 25741868, with internal and published modifications).

Labcorp Genetics (formerly Invitae), Labcorp
Classification: Likely benign. Last evaluated: 2024-10-14. Review status: criteria provided, single submitter. Criteria: Invitae Variant Classification Sherloc (09022015). Collection method: clinical testing. Allele origin: germline.

Ambry Genetics
Classification: Likely benign for Inborn genetic diseases. Last evaluated: 2015-12-24. Review status: criteria provided, single submitter. Criteria: Ambry Variant Classification Scheme 2023. Collection method: clinical testing. Allele origin: germline.